The following is an entry in ClinVar:

NM_005535.3(IL12RB1):c.534C>A (p.Ser178Arg)

Gene: IL12RB1 (interleukin 12 receptor subunit beta 1; minus strand). Cytogenetic location: 19p13.11.
Variant type: single nucleotide variant.
Coding change: c.534C>A on transcript NM_005535.3 (MANE Select); coding-DNA position 534, C replaced by A.
Protein change: p.Ser178Arg; replaces serine 178 with arginine.
Molecular consequence: missense variant.
Genome position (GRCh38, 1-based): chr19:18,077,531, G>T on the plus strand (C>A on the coding strand, the complement: IL12RB1 is on the minus strand). VCF-style: chr19-18077531-G-T. GRCh37 (hg19) VCF-style: chr19-18188341-G-T.
Other names: c.534C>A, p.Ser178Arg (NM_001290023.2, NM_153701.3); c.654C>A, p.Ser218Arg (NM_001290024.2); short protein forms S218R, S178R.
Identifiers: ClinVar variation 664694 (VCV000664694.6), dbSNP rs757331863, ClinGen allele CA306134143.
Genomic context (GRCh38, chr19:18,077,531, plus strand): 5'-CCTGGAGAGGCCCGTGTCCACCCTGGACTTGGGAAACAAACTCACCAACTTCCATGGGCT[G>T]CTGGGTGTCCGGTGCCGGAACTGCACCTCAGCACCAACCTGGTTATCCGGGGTCTCCCAC-3'
Protein context (NP_005526.1, residues 168-188): AEVQFRHRTP[Ser178Arg]SPWKLGDCGP

ClinVar aggregate classification (germline): Uncertain significance (1 of 4 stars; one submission).

Conditions:
Mendelian susceptibility to mycobacterial diseases due to complete IL12RB1 deficiency. Also called: Immunodeficiency 30; IL12RB1 DEFICIENCY. Identifiers: Orphanet 319552, MedGen C4013949, MONDO:0013955, OMIM 614891.

gnomAD v4.1: 31 of 1,611,338 alleles (0.0019%); highest among the groups gnomAD compares: Non-Finnish European, 0.0023%; no homozygotes.

Submission:

Labcorp Genetics (formerly Invitae), Labcorp
Classification: Uncertain significance for Mendelian susceptibility to mycobacterial diseases due to complete IL12RB1 deficiency. Last evaluated: 2021-08-31. Review status: criteria provided, single submitter. Criteria: Invitae Variant Classification Sherloc (09022015). Collection method: clinical testing. Allele origin: germline.
Comment: This sequence change replaces serine with arginine at codon 178 of the IL12RB1 protein (p.Ser178Arg). The serine residue is weakly conserved and there is a moderate physicochemical difference between serine and arginine. This variant is not present in population databases (ExAC no frequency). This variant has not been reported in the literature in individuals affected with IL12RB1-related conditions. Algorithms developed to predict the effect of missense changes on protein structure and function (SIFT, PolyPhen-2, Align-GVGD) all suggest that this variant is likely to be tolerated. In summary, the available evidence is currently insufficient to determine the role of this variant in disease. Therefore, it has been classified as a Variant of Uncertain Significance.